The following is an entry in ClinVar:

NM_001242896.3(DEPDC5):c.3353C>T (p.Thr1118Ile)

Gene: DEPDC5 (DEP domain containing 5, GATOR1 subcomplex subunit; plus strand). Cytogenetic location: 22q12.3.
Variant type: single nucleotide variant.
Coding change: c.3353C>T on transcript NM_001242896.3 (MANE Select); coding-DNA position 3353, C replaced by T.
Protein change: p.Thr1118Ile; replaces threonine 1118 with isoleucine.
Molecular consequence: missense variant. On other transcripts: non-coding transcript variant (5).
Genome position (GRCh38, 1-based): chr22:31,870,612, C>T. VCF-style: chr22-31870612-C-T. GRCh37 (hg19) VCF-style: chr22-32266598-C-T.
Other names: c.3326C>T, p.Thr1109Ile (NM_001136029.4); c.3053C>T, p.Thr1018Ile (NM_001242897.2); c.3287C>T, p.Thr1096Ile (NM_001363852.2, NM_001364320.2); c.3119C>T, p.Thr1040Ile (NM_001363854.2, NM_001364319.2); c.3353C>T, p.Thr1118Ile (NM_001364318.2); c.3269C>T, p.Thr1090Ile (NM_001369901.1, NM_001369902.1); c.3260C>T, p.Thr1087Ile (NM_001369903.1, NM_014662.6); c.3353C>T (NM_001242896.1); short protein forms T1018I, T1040I, T1090I, T1118I, T1109I, T1087I, T1096I.
Identifiers: ClinVar variation 1955813 (VCV001955813.6), dbSNP rs1054996215, ClinGen allele CA323361334.
Genomic context (GRCh38, chr22:31,870,612, plus strand): 5'-TTTTTGGAATCAAGTATTCATTTTTAAATCTCCTGCAGGTATCTGTGGACCAAACAGCCA[C>T]TCCTATGTTGGACGGCACCAGTTTGGGCATATGCACAGGCCAATCCATGGACAGAGGCAA-3'
Protein context (NP_001229825.1, residues 1108-1128): YPQVSVDQTA[Thr1118Ile]PMLDGTSLGI

ClinVar aggregate classification (germline): Uncertain significance. Review status: criteria provided, multiple submitters, no conflicts (2 of 4 stars). 2 submissions from 2 submitters: Uncertain significance (2). Last evaluated 2023-05-01.

Conditions:
Familial focal epilepsy with variable foci (FPEVF). Identifiers: Orphanet 98820, MedGen C1858477, MONDO:0020310.

Allele frequency attached by ClinVar (database versions not stated): TOPMed below 0.00001.

Submissions (2):

GeneDx
Classification: Uncertain significance. Last evaluated: 2023-05-01. Review status: criteria provided, single submitter. Criteria: GeneDx Variant Classification Process June 2021. Collection method: clinical testing. Allele origin: germline. Affected: yes.
Comment: Not observed at significant frequency in large population cohorts (gnomAD); In silico analysis supports that this missense variant does not alter protein structure/function; Has not been previously published as pathogenic or benign to our knowledge

Labcorp Genetics (formerly Invitae), Labcorp
Classification: Uncertain significance for Familial focal epilepsy with variable foci. Last evaluated: 2022-10-17. Review status: criteria provided, single submitter. Criteria: Invitae Variant Classification Sherloc (09022015). Collection method: clinical testing. Allele origin: germline.
Comment: This variant has not been reported in the literature in individuals affected with DEPDC5-related conditions. This sequence change replaces threonine, which is neutral and polar, with isoleucine, which is neutral and non-polar, at codon 1118 of the DEPDC5 protein (p.Thr1118Ile). This variant is not present in population databases (gnomAD no frequency). Algorithms developed to predict the effect of missense changes on protein structure and function output the following: SIFT: "Tolerated"; PolyPhen-2: "Not Available"; Align-GVGD: "Class C0". The isoleucine amino acid residue is found in multiple mammalian species, which suggests that this missense change does not adversely affect protein function. In summary, the available evidence is currently insufficient to determine the role of this variant in disease. Therefore, it has been classified as a Variant of Uncertain Significance.